The following is an entry in ClinVar:

ClinVar aggregate classification (germline): Uncertain significance (1 of 4 stars; one submission).

Submission:

GeneDx
Classification: Uncertain significance. Last evaluated: 2024-04-04. Review status: criteria provided, single submitter. Criteria: GeneDx Variant Classification Process June 2021. Collection method: clinical testing. Allele origin: germline. Affected: yes.
Comment: Not observed at significant frequency in large population cohorts (gnomAD); In silico analysis supports that this missense variant has a deleterious effect on protein structure/function; Has not been previously published as pathogenic or benign to our knowledge

NM_005445.4(SMC3):c.2648T>C (p.Leu883Ser)

Gene: SMC3 (structural maintenance of chromosomes 3; plus strand). Cytogenetic location: 10q25.2.
Variant type: single nucleotide variant.
Coding change: c.2648T>C on transcript NM_005445.4 (MANE Select); coding-DNA position 2648, T replaced by C.
Protein change: p.Leu883Ser; replaces leucine 883 with serine.
Molecular consequence: missense variant.
Genome position (GRCh38, 1-based): chr10:110,601,640, T>C. VCF-style: chr10-110601640-T-C. GRCh37 (hg19) VCF-style: chr10-112361398-T-C.
Other names: short protein forms L883S.
Identifiers: ClinVar variation 3371977 (VCV003371977.1).